The following is an entry in ClinVar:

NM_002332.3(LRP1):c.4310A>G (p.Asn1437Ser)

Genes: LRP1 (LDL receptor related protein 1; plus strand), LOC126861539 (CDK7 strongly-dependent group 2 enhancer GRCh37_chr12:57570347-57571546; plus strand). Cytogenetic location: 12q13.3.
Variant type: single nucleotide variant.
Coding change: c.4310A>G on transcript NM_002332.3 (MANE Select); coding-DNA position 4310, A replaced by G.
Protein change: p.Asn1437Ser; replaces asparagine 1437 with serine.
Molecular consequence: missense variant.
Genome position (GRCh38, 1-based): chr12:57,177,540, A>G. VCF-style: chr12-57177540-A-G. GRCh37 (hg19) VCF-style: chr12-57571323-A-G.
Other names: short protein forms N1437S.
Identifiers: ClinVar variation 2784813 (VCV002784813.3), dbSNP rs2548069982, ClinGen allele CA385412292.

ClinVar aggregate classification (germline): Uncertain significance (1 of 4 stars; one submission).

Submission:

Labcorp Genetics (formerly Invitae), Labcorp
Classification: Uncertain significance. Last evaluated: 2023-09-19. Review status: criteria provided, single submitter. Criteria: Invitae Variant Classification Sherloc (09022015). Collection method: clinical testing. Allele origin: germline.
Comment: This sequence change replaces asparagine, which is neutral and polar, with serine, which is neutral and polar, at codon 1437 of the LRP1 protein (p.Asn1437Ser). This variant is not present in population databases (gnomAD no frequency). This variant has not been reported in the literature in individuals affected with LRP1-related conditions. Advanced modeling of protein sequence and biophysical properties (such as structural, functional, and spatial information, amino acid conservation, physicochemical variation, residue mobility, and thermodynamic stability) performed at Invitae indicates that this missense variant is expected to disrupt LRP1 protein function. In summary, the available evidence is currently insufficient to determine the role of this variant in disease. Therefore, it has been classified as a Variant of Uncertain Significance.